The following is an entry in ClinVar:

ClinVar aggregate classification (germline): Benign/Likely benign. Review status: criteria provided, multiple submitters, no conflicts (2 of 4 stars). 10 submissions from 10 submitters: Benign (7); Likely benign (2). 1 of the submissions does not count toward it. Last evaluated 2026-09-01.

Conditions:
Usher syndrome type 1 (USH1). Also called: RETINITIS PIGMENTOSA AND CONGENITAL DEAFNESS. Identifiers: Orphanet 231169, Orphanet 886, MedGen C1568247, MONDO:0010168, OMIM 276900.
Usher syndrome type 1F (USH1F). Also called: USHER SYNDROME, TYPE IF. Identifiers: Orphanet 231169, Orphanet 886, MedGen C1865885, MONDO:0011186, OMIM 602083.

Allele frequency attached by ClinVar (database versions not stated): 1000 Genomes Project 30x 0.00234; ExAC 0.00779; gnomAD 0.00837 and 0.00757; ESP Exome Variant Server 0.00846; 1000 Genomes Project 0.00260; gnomAD exomes 0.00831 and 0.00939; TOPMed 0.00846.
gnomAD v4.1: 14,883 of 1,613,090 alleles (0.92%); highest among the groups gnomAD compares: Non-Finnish European, 1%; 101 homozygotes.

Submissions (19):

CeGaT Center for Human Genetics Tuebingen
Classification: Benign. Last evaluated: 2026-09-01. Review status: criteria provided, single submitter. Criteria: CeGaT Center For Human Genetics Tuebingen Variant Classification Criteria Version 2. Collection method: clinical testing. Allele origin: germline. Affected: yes. Observed: 16 variant alleles.
Comment: PCDH15: BP4, BS1, BS2

Labcorp Genetics (formerly Invitae), Labcorp
Classification: Benign. Last evaluated: 2026-02-04. Review status: criteria provided, single submitter. Criteria: Invitae Variant Classification Sherloc (09022015). Collection method: clinical testing. Allele origin: germline.

Mayo Clinic Laboratories, Mayo Clinic
Classification: Benign. Last evaluated: 2021-08-26. Review status: criteria provided, single submitter. Criteria: ACMG Guidelines, 2015. Collection method: clinical testing. Allele origin: germline. Observed: 4 variant alleles.
Comment: BA1, BS2

Women's Health and Genetics/Laboratory Corporation of America, LabCorp
Classification: Benign. Last evaluated: 2019-08-08. Review status: criteria provided, single submitter. Criteria: LabCorp Variant Classification Summary - May 2015. Collection method: clinical testing. Allele origin: germline.
Comment: Variant summary: PCDH15 c.475-3C>T alters a conserved nucleotide located close to a canonical splice site and therefore could affect mRNA splicing, leading to a significantly altered protein sequence. 2/4 computational tools predict that the variant impacts normal splicing by creating a 3' acceptor site. However, these predictions have yet to be confirmed by functional studies. The variant allele was found at a frequency of 0.0083 in 251012 control chromosomes in the gnomAD database, including 18 homozygotes. The observed variant frequency is approximately 2.63 fold of the estimated maximal expected allele frequency for a pathogenic variant in PCDH15 causing Usher Syndrome Type 1F phenotype (0.0032), strongly suggesting that the variant is benign. To our knowledge, no occurrence of c.475-3C>T in individuals affected with Usher Syndrome Type 1F and no experimental evidence demonstrating its impact on protein function have been reported. One clinical diagnostic laboratory has submitted clinical-significance assessments for this variant to ClinVar(after 2014) and classified the variant as uncertain significance. Based on the evidence outlined above, the variant was classified as benign.

Athena Diagnostics
Classification: Benign. Last evaluated: 2018-11-05. Review status: criteria provided, single submitter. Criteria: Athena Diagnostics Criteria. Collection method: clinical testing. Allele origin: germline.

Illumina Laboratory Services, Illumina
Classification: Likely benign for Usher syndrome type 1. Last evaluated: 2018-01-13. Review status: criteria provided, single submitter. Criteria: ICSL Variant Classification Criteria 13 December 2019. Collection method: clinical testing. Allele origin: germline.
Comment: This variant was observed in the ICSL laboratory as part of a predisposition screen in an ostensibly healthy population. It had not been previously curated by ICSL or reported in the Human Gene Mutation Database (HGMD: prior to June 1st, 2018), and was therefore a candidate for classification through an automated scoring system. Utilizing variant allele frequency, disease prevalence and penetrance estimates, and inheritance mode, an automated score was calculated to assess if this variant is too frequent to cause the disease. Based on the score and internal cut-off values, a variant classified as likely benign is not then subjected to further curation. The score for this variant resulted in a classification of likely benign for this disease.

GeneDx
Classification: Benign. Last evaluated: 2015-03-03. Review status: criteria provided, single submitter. Criteria: GeneDx Variant Classification Process June 2021. Collection method: clinical testing. Allele origin: germline. Affected: yes.

Laboratory for Molecular Medicine, Mass General Brigham Personalized Medicine
Classification: Benign. Last evaluated: 2011-04-08. Review status: criteria provided, single submitter. Criteria: LMM Criteria. Collection method: clinical testing. Allele origin: germline. Observed: 43 variant alleles.
Comment: This variant is also listed in dbSNP; however, frequency data is not available ( rs41304641). This variant has been identified by our laboratory in 5/224 (2%) in dividuals tested, none of whom had congenital profound hearing loss consistent w ith pathogenic variants in PCDH15. The 475-3C>T variant is located in the 5' spl ice region but does not affect the highly conserved +1 and +2 positions. In summ ary, this data suggests that this variant is likely to be benign.

Breakthrough Genomics
Classification: Likely benign. Review status: criteria provided, single submitter. Criteria: ACMG Guidelines, 2015. Collection method: not provided. Allele origin: germline. Inheritance: Autosomal recessive inheritance. Affected: yes.

Natera, Inc.
Classification: Benign for Usher syndrome type 1F. Last evaluated: 2020-09-16. Review status: no assertion criteria provided. Collection method: clinical testing. Allele origin: germline. Not counted in ClinVar's aggregate classification.

Dr. Peter K. Rogan Lab, Western University
No classification provided (evidence only). Condition: Clear cell carcinoma of kidney. Review status: no classification provided. Collection method: in vitro. Allele origin: not applicable. Functional consequence: retained intron. Not counted in ClinVar's aggregate classification.

Dr. Peter K. Rogan Lab, Western University
No classification provided (evidence only). Condition: Lung cancer. Review status: no classification provided. Collection method: in vitro. Allele origin: not applicable. Functional consequence: retained intron. Not counted in ClinVar's aggregate classification.

Dr. Peter K. Rogan Lab, Western University
No classification provided (evidence only). Condition: Familial cancer of breast. Review status: no classification provided. Collection method: in vitro. Allele origin: not applicable. Functional consequence: retained intron. Not counted in ClinVar's aggregate classification.

Dr. Peter K. Rogan Lab, Western University
No classification provided (evidence only). Condition: Sarcoma. Review status: no classification provided. Collection method: in vitro. Allele origin: not applicable. Functional consequence: retained intron. Not counted in ClinVar's aggregate classification.

Dr. Peter K. Rogan Lab, Western University
No classification provided (evidence only). Condition: Thymoma. Review status: no classification provided. Collection method: in vitro. Allele origin: not applicable. Functional consequence: retained intron. Not counted in ClinVar's aggregate classification.

Dr. Peter K. Rogan Lab, Western University
No classification provided (evidence only). Condition: Cholangiocarcinoma. Review status: no classification provided. Collection method: in vitro. Allele origin: not applicable. Functional consequence: retained intron. Not counted in ClinVar's aggregate classification.

Dr. Peter K. Rogan Lab, Western University
No classification provided (evidence only). Condition: Ovarian serous cystadenocarcinoma. Review status: no classification provided. Collection method: in vitro. Allele origin: not applicable. Functional consequence: retained intron. Not counted in ClinVar's aggregate classification.

Dr. Peter K. Rogan Lab, Western University
No classification provided (evidence only). Condition: Gastric cancer. Review status: no classification provided. Collection method: in vitro. Allele origin: not applicable. Functional consequence: retained intron. Not counted in ClinVar's aggregate classification.

Dr. Peter K. Rogan Lab, Western University
No classification provided (evidence only). Condition: Gastric cancer. Review status: no classification provided. Collection method: in vitro. Allele origin: not applicable. Functional consequence: retained intron. Not counted in ClinVar's aggregate classification.

NM_001384140.1(PCDH15):c.475-3C>T

Gene: PCDH15 (protocadherin related 15; minus strand). Cytogenetic location: 10q21.1.
Variant type: single nucleotide variant.
Coding change: c.475-3C>T on transcript NM_001384140.1 (MANE Select); 3 bases into the intron before coding-DNA position 475, C replaced by T.
Molecular consequence: intron variant.
Genome position (GRCh38, 1-based): chr10:54,346,487, G>A on the plus strand (C>T on the coding strand, the complement: PCDH15 is on the minus strand). VCF-style: chr10-54346487-G-A. GRCh37 (hg19) VCF-style: chr10-56106247-G-A.
Other names: p.?; c.475-3C>T (NM_001142764.2, NM_001354430.2, NM_001354420.2 and 8 more transcripts); c.490-3C>T (NM_001142763.2, NM_001142771.2, NM_001142769.3); c.409-3C>T (NM_001354404.2, NM_001142773.2, NM_001142768.2).
Identifiers: ClinVar variation 46485 (VCV000046485.50), dbSNP rs41304641, ClinGen allele CA138444.